The following is an entry in ClinVar:

NM_152564.5(VPS13B):c.3311A>G (p.Tyr1104Cys)

Gene: VPS13B (vacuolar protein sorting 13 homolog B; plus strand). Cytogenetic location: 8q22.2.
Variant type: single nucleotide variant.
Coding change: c.3311A>G on transcript NM_152564.5 (MANE Select); coding-DNA position 3311, A replaced by G.
Protein change: p.Tyr1104Cys; replaces tyrosine 1104 with cysteine.
Molecular consequence: missense variant.
Genome position (GRCh38, 1-based): chr8:99,442,501, A>G. VCF-style: chr8-99442501-A-G. GRCh37 (hg19) VCF-style: chr8-100454729-A-G.
Other names: c.3311A>G, p.Tyr1104Cys (NM_017890.5); short protein forms Y1104C.
Identifiers: ClinVar variation 4746567 (VCV004746567.2).
Genomic context (GRCh38, chr8:99,442,501, plus strand): 5'-GCCTGCCTTCCCCAAGTACAATTGTATCTGGTGACATTCCTGGAACAGTAAGAAGTTGGT[A>G]CCATGGACAAACCAGCATGCCGGGAACACTTGTCCTCTGTTTGCCTCAAATAAAGATTAT-3'
Protein context (NP_689777.3, residues 1094-1114): GDIPGTVRSW[Tyr1104Cys]HGQTSMPGTL

ClinVar aggregate classification (germline): Uncertain significance. Review status: criteria provided, multiple submitters, no conflicts (2 of 4 stars). 2 submissions from 2 submitters: Uncertain significance (2). Last evaluated 2025-11-03.

Conditions:
VPS13B-related disorder. Also called: VPS13B-related condition.
Cohen syndrome (COH1). Also called: PEPPER SYNDROME; Cutis verticis gyrata, retinitis pigmentosa, and sensorineural deafness. Identifiers: Orphanet 193, MedGen C0265223, MONDO:0008999, OMIM 216550.

gnomAD v4.1: 1 of 1,614,000 alleles (0.000062%); highest among the groups gnomAD compares: African/African-American, 0.0013%; no homozygotes.

Submissions (2):

Labcorp Genetics (formerly Invitae), Labcorp
Classification: Uncertain significance for Cohen syndrome. Last evaluated: 2025-11-03. Review status: criteria provided, single submitter. Criteria: Invitae Variant Classification Sherloc (09022015). Collection method: clinical testing. Allele origin: germline.
Comment: This sequence change replaces tyrosine, which is neutral and polar, with cysteine, which is neutral and slightly polar, at codon 1104 of the VPS13B protein (p.Tyr1104Cys). This variant is not present in population databases (gnomAD no frequency). This variant has not been reported in the literature in individuals affected with VPS13B-related conditions. Invitae Evidence Modeling of protein sequence and biophysical properties (such as structural, functional, and spatial information, amino acid conservation, physicochemical variation, residue mobility, and thermodynamic stability) indicates that this missense variant is expected to disrupt VPS13B protein function with a positive predictive value of 80%. In summary, the available evidence is currently insufficient to determine the role of this variant in disease. Therefore, it has been classified as a Variant of Uncertain Significance.

PreventionGenetics, part of Exact Sciences
Classification: Uncertain significance for VPS13B-related condition. Last evaluated: 2024-11-27. Review status: criteria provided, single submitter. Criteria: ACMG Guidelines, 2015. Collection method: clinical testing. Allele origin: germline.
Comment: The VPS13B c.3311A>G variant is predicted to result in the amino acid substitution p.Tyr1104Cys. To our knowledge, this variant has not been reported in the literature or in a large population database, indicating this variant is rare. At this time, the clinical significance of this variant is uncertain due to the absence of conclusive functional and genetic evidence.